The following is an entry in ClinVar:

NM_004385.5(VCAN):c.2081T>A (p.Met694Lys)

Gene: VCAN (versican; plus strand). Cytogenetic location: 5q14.3.
Variant type: single nucleotide variant.
Coding change: c.2081T>A on transcript NM_004385.5 (MANE Select); coding-DNA position 2081, T replaced by A.
Protein change: p.Met694Lys; replaces methionine 694 with lysine.
Molecular consequence: missense variant. On other transcripts: intron variant (2).
Genome position (GRCh38, 1-based): chr5:83,520,387, T>A. VCF-style: chr5-83520387-T-A. GRCh37 (hg19) VCF-style: chr5-82816206-T-A.
Other names: c.2081T>A, p.Met694Lys (NM_001164098.2); c.1042+7991T>A (NM_001164097.2, NM_001126336.3); short protein forms M694K.
Identifiers: ClinVar variation 4768100 (VCV004768100.1).

ClinVar aggregate classification (germline): Uncertain significance (1 of 4 stars; one submission).

gnomAD v4.1: 2 of 1,612,828 alleles (0.00012%); highest among the groups gnomAD compares: Admixed American, 0.0033%; no homozygotes.

Submission:

Labcorp Genetics (formerly Invitae), Labcorp
Classification: Uncertain significance. Last evaluated: 2025-12-03. Review status: criteria provided, single submitter. Criteria: Invitae Variant Classification Sherloc (09022015). Collection method: clinical testing. Allele origin: germline.
Comment: This sequence change replaces methionine, which is neutral and non-polar, with lysine, which is basic and polar, at codon 694 of the VCAN protein (p.Met694Lys). This variant is present in population databases (no rsID available, gnomAD 0.003%). This variant has not been reported in the literature in individuals affected with VCAN-related conditions. An algorithm developed to predict the effect of missense changes on protein structure and function (PolyPhen-2) suggests that this variant is likely to be tolerated. In summary, the available evidence is currently insufficient to determine the role of this variant in disease. Therefore, it has been classified as a Variant of Uncertain Significance.